The following is an entry in ClinVar:

NM_002829.4(PTPN3):c.632C>T (p.Ala211Val)

Gene: PTPN3 (protein tyrosine phosphatase non-receptor type 3; minus strand). Cytogenetic location: 9q31.3.
Variant type: single nucleotide variant.
Coding change: c.632C>T on transcript NM_002829.4 (MANE Select); coding-DNA position 632, C replaced by T.
Protein change: p.Ala211Val; replaces alanine 211 with valine.
Molecular consequence: missense variant.
Genome position (GRCh38, 1-based): chr9:109,436,926, G>A on the plus strand (C>T on the coding strand, the complement: PTPN3 is on the minus strand). VCF-style: chr9-109436926-G-A. GRCh37 (hg19) VCF-style: chr9-112199206-G-A.
Other names: c.632C>T, p.Ala211Val (NM_001145368.2); c.239C>T, p.Ala80Val (NM_001145369.2, NM_001145370.2); short protein forms A211V, A80V.
Identifiers: ClinVar variation 161535 (VCV000161535.2), dbSNP rs193920798, ClinGen allele CA174287.

ClinVar aggregate classification (germline): Uncertain significance (0 of 4 stars; one submission).

Conditions:
Prostate cancer. Also called: Malignant tumor of prostate. Identifiers: Orphanet 1331, MedGen C0376358, MONDO:0008315, HP:0012125.

Allele frequency attached by ClinVar (database versions not stated): gnomAD exomes 0.00003 and 0.00007; 1000 Genomes Project 30x 0.00047; TOPMed 0.00002; 1000 Genomes Project 0.00040; gnomAD 0.00004 and 0.00003; ExAC 0.00005.
gnomAD v4.1: 48 of 1,614,052 alleles (0.003%); highest among the groups gnomAD compares: South Asian, 0.04%; 1 homozygote.

Submission:

Science for Life laboratory,  Karolinska Institutet
Classification: Uncertain significance for Malignant tumor of prostate. Review status: no assertion criteria provided. Collection method: not provided. Allele origin: somatic.
Comment: TumorID:SWE-11
ClinVar note: Converted during submission from Unknown to Uncertain significance.